The following is an entry in ClinVar:

ClinVar aggregate classification (germline): Uncertain significance (1 of 4 stars; one submission).

Conditions:
Myofibrillar myopathy 5. Also called: Filaminopathy (type); FILAMINOPATHY, AUTOSOMAL DOMINANT. Identifiers: Orphanet 171445, MedGen C1836050, MONDO:0012289, OMIM 609524.
Distal myopathy with posterior leg and anterior hand involvement. Also called: WILLIAMS DISTAL MYOPATHY. Identifiers: Orphanet 63273, MedGen C3279722, MONDO:0013550, OMIM 614065.
Hypertrophic cardiomyopathy 26. Also called: Cardiomyopathy, familial hypertrophic, 26. Identifiers: Orphanet 75249, MedGen C4310749, MONDO:0014883, OMIM 617047.

Allele frequency attached by ClinVar (database versions not stated): gnomAD exomes below 0.00001; TOPMed below 0.00001; gnomAD 0.00001.

Submission:

Labcorp Genetics (formerly Invitae), Labcorp
Classification: Uncertain significance for Distal myopathy with posterior leg and anterior hand involvement; Myofibrillar myopathy 5; Hypertrophic cardiomyopathy 26. Last evaluated: 2022-07-19. Review status: criteria provided, single submitter. Criteria: Invitae Variant Classification Sherloc (09022015). Collection method: clinical testing. Allele origin: germline.
Comment: In summary, the available evidence is currently insufficient to determine the role of this variant in disease. Therefore, it has been classified as a Variant of Uncertain Significance. Algorithms developed to predict the effect of missense changes on protein structure and function are either unavailable or do not agree on the potential impact of this missense change (SIFT: "Deleterious"; PolyPhen-2: "Possibly Damaging"; Align-GVGD: "Class C0"). ClinVar contains an entry for this variant (Variation ID: 1507656). This variant has not been reported in the literature in individuals affected with FLNC-related conditions. This variant is not present in population databases (gnomAD no frequency). This sequence change replaces glycine, which is neutral and non-polar, with aspartic acid, which is acidic and polar, at codon 518 of the FLNC protein (p.Gly518Asp).

NM_001458.5(FLNC):c.1553G>A (p.Gly518Asp)

Gene: FLNC (filamin C; plus strand). Cytogenetic location: 7q32.1.
Variant type: single nucleotide variant.
Coding change: c.1553G>A on transcript NM_001458.5 (MANE Select); coding-DNA position 1553, G replaced by A.
Protein change: p.Gly518Asp; replaces glycine 518 with aspartic acid.
Molecular consequence: missense variant.
Genome position (GRCh38, 1-based): chr7:128,840,551, G>A. VCF-style: chr7-128840551-G-A. GRCh37 (hg19) VCF-style: chr7-128480605-G-A.
Other names: c.1553G>A, p.Gly518Asp (NM_001127487.2); short protein forms G518D.
Identifiers: ClinVar variation 1507656 (VCV001507656.8), dbSNP rs1168879153, ClinGen allele CA369226418.